The following is an entry in ClinVar:

ClinVar aggregate classification (germline): Conflicting classifications of pathogenicity. Review status: criteria provided, conflicting classifications (1 of 4 stars). 8 submissions from 8 submitters: Uncertain significance (4); Likely benign (2). 2 of the submissions do not count toward it. Last evaluated 2026-01-29.

Conditions:
NPC1-related disorder. Also called: NPC1-related condition.
Niemann-Pick disease, type C1. Also called: NEUROVISCERAL STORAGE DISEASE WITH VERTICAL SUPRANUCLEAR OPHTHALMOPLEGIA; NIEMANN-PICK DISEASE WITH CHOLESTEROL ESTERIFICATION BLOCK; NIEMANN-PICK DISEASE WITHOUT SPHINGOMYELINASE DEFICIENCY; NIEMANN-PICK DISEASE, CHRONIC NEURONOPATHIC FORM; NIEMANN-PICK DISEASE, VARIANT TYPE C1. Identifiers: Orphanet 646, MedGen C3179455, MONDO:0009757, OMIM 257220.

Allele frequency attached by ClinVar (database versions not stated): gnomAD exomes 0.00025 and 0.00014; ESP Exome Variant Server 0.00008; ExAC 0.00021; TOPMed 0.00014; gnomAD 0.00015.

Submissions (8):

Labcorp Genetics (formerly Invitae), Labcorp
Classification: Likely benign for Niemann-Pick disease, type C1. Last evaluated: 2026-01-29. Review status: criteria provided, single submitter. Criteria: Invitae Variant Classification Sherloc (09022015). Collection method: clinical testing. Allele origin: germline.

GeneDx
Classification: Uncertain significance. Last evaluated: 2025-05-13. Review status: criteria provided, single submitter. Criteria: GeneDx Variant Classification Process June 2021. Collection method: clinical testing. Allele origin: germline.
Comment: Not observed at significant frequency in large population cohorts (gnomAD); In silico analysis suggests that this missense variant does not alter protein structure/function; Has not been previously published as pathogenic or benign to our knowledge

Mayo Clinic Laboratories, Mayo Clinic
Classification: Uncertain significance. Last evaluated: 2022-11-04. Review status: criteria provided, single submitter. Criteria: ACMG Guidelines, 2015. Collection method: clinical testing. Allele origin: germline. Observed: 1 variant allele.
Comment: BS1

Department of Pathology and Laboratory Medicine, Sinai Health System
Classification: Uncertain significance for Niemann-Pick disease, type C1. Last evaluated: 2021-07-30. Review status: criteria provided, single submitter. Criteria: ACMG Guidelines, 2015. Collection method: research. Allele origin: germline.

Illumina Laboratory Services, Illumina
Classification: Uncertain significance for Niemann-Pick disease type C1. Last evaluated: 2018-01-13. Review status: criteria provided, single submitter. Criteria: ICSL Variant Classification Criteria 13 December 2019. Collection method: clinical testing. Allele origin: germline.

Eurofins Ntd Llc (ga)
Classification: Likely benign. Last evaluated: 2017-03-13. Review status: criteria provided, single submitter. Criteria: EGL Classification Definitions 2015. Collection method: clinical testing. Allele origin: germline. Observed: 1 variant allele, 1 heterozygote.

PreventionGenetics, part of Exact Sciences
Classification: Likely benign for NPC1-related condition. Last evaluated: 2023-09-21. Review status: no assertion criteria provided. Collection method: clinical testing. Allele origin: germline. Not counted in ClinVar's aggregate classification.
Comment: This variant is classified as likely benign based on ACMG/AMP sequence variant interpretation guidelines (Richards et al. 2015 PMID: 25741868, with internal and published modifications).

Natera, Inc.
Classification: Likely benign for Niemann-Pick disease type C1. Last evaluated: 2021-07-01. Review status: no assertion criteria provided. Collection method: clinical testing. Allele origin: germline. Not counted in ClinVar's aggregate classification.

Literature cited by the submitters: PubMed 25764212 (cited by Mayo Clinic Laboratories, Mayo Clinic); PubMed 33990640 (cited by Mayo Clinic Laboratories, Mayo Clinic).

NM_000271.5(NPC1):c.2501T>C (p.Met834Thr)

Gene: NPC1 (NPC intracellular cholesterol transporter 1; minus strand). Cytogenetic location: 18q11.2.
Variant type: single nucleotide variant.
Coding change: c.2501T>C on transcript NM_000271.5 (MANE Select); coding-DNA position 2501, T replaced by C.
Protein change: p.Met834Thr; replaces methionine 834 with threonine.
Molecular consequence: missense variant.
Genome position (GRCh38, 1-based): chr18:23,541,081, A>G on the plus strand (T>C on the coding strand, the complement: NPC1 is on the minus strand). VCF-style: chr18-23541081-A-G. GRCh37 (hg19) VCF-style: chr18-21121045-A-G.
Other names: p.Met834Thr; short protein forms M834T.
Identifiers: ClinVar variation 326260 (VCV000326260.26), dbSNP rs373435883, ClinGen allele CA8913084.
Genomic context (GRCh38, chr18:23,541,081, plus strand): 5'-ATCTGTTTCAGTGAGAGGAAAGAGAAAAACCACAGATAAGCGCATACCACAATTGGTCTC[A>G]TCCAGTCCTTTAGCAGAAGTGGAGAATAGGAGTTTTTGAAGAAGCGAAACAAACAGCTCT-3'
Protein context (NP_000262.2, residues 824-844): SYSPLLLKDW[Met834Thr]RPIVIAIFVG